The following is an entry in ClinVar:

NM_005573.4(LMNB1):c.1190G>A (p.Arg397His)

Gene: LMNB1 (lamin B1; plus strand). Cytogenetic location: 5q23.2.
Variant type: single nucleotide variant.
Coding change: c.1190G>A on transcript NM_005573.4 (MANE Select); coding-DNA position 1190, G replaced by A.
Protein change: p.Arg397His; replaces arginine 397 with histidine.
Molecular consequence: missense variant. On other transcripts: non-coding transcript variant (1).
Genome position (GRCh38, 1-based): chr5:126,820,939, G>A. VCF-style: chr5-126820939-G-A. GRCh37 (hg19) VCF-style: chr5-126156631-G-A.
Other names: c.560G>A, p.Arg187His (NM_001198557.2); short protein forms R397H, R187H.
Identifiers: ClinVar variation 350617 (VCV000350617.28), dbSNP rs746416284, ClinGen allele CA3390666.

ClinVar aggregate classification (germline): Conflicting classifications of pathogenicity. Review status: criteria provided, conflicting classifications (1 of 4 stars). 3 submissions from 3 submitters: Uncertain significance (2); Likely benign (1). Last evaluated 2025-12-02.

Conditions:
Adult-onset autosomal dominant demyelinating leukodystrophy. Identifiers: Orphanet 99027, MedGen C1868512, MONDO:0008215.

Allele frequency attached by ClinVar (database versions not stated): gnomAD exomes 0.00003 and 0.00004; ExAC 0.00004; TOPMed 0.00004; gnomAD 0.00005.
gnomAD v4.1: 60 of 1,613,440 alleles (0.0037%); highest among the groups gnomAD compares: Middle Eastern, 0.033%; no homozygotes.

Submissions (3):

Labcorp Genetics (formerly Invitae), Labcorp
Classification: Uncertain significance. Last evaluated: 2025-12-02. Review status: criteria provided, single submitter. Criteria: Invitae Variant Classification Sherloc (09022015). Collection method: clinical testing. Allele origin: germline.
Comment: This sequence change replaces arginine, which is basic and polar, with histidine, which is basic and polar, at codon 397 of the LMNB1 protein (p.Arg397His). This variant is present in population databases (rs746416284, gnomAD 0.02%). This variant has not been reported in the literature in individuals affected with LMNB1-related conditions. ClinVar contains an entry for this variant (Variation ID: 350617). Invitae Evidence Modeling of protein sequence and biophysical properties (such as structural, functional, and spatial information, amino acid conservation, physicochemical variation, residue mobility, and thermodynamic stability) indicates that this missense variant is not expected to disrupt LMNB1 protein function with a negative predictive value of 80%. In summary, the available evidence is currently insufficient to determine the role of this variant in disease. Therefore, it has been classified as a Variant of Uncertain Significance.

CeGaT Center for Human Genetics Tuebingen
Classification: Uncertain significance. Last evaluated: 2024-02-01. Review status: criteria provided, single submitter. Criteria: CeGaT Center For Human Genetics Tuebingen Variant Classification Criteria Version 2. Collection method: clinical testing. Allele origin: germline. Affected: yes. Observed: 1 variant allele.

Illumina Laboratory Services, Illumina
Classification: Likely benign for Leukodystrophy, demyelinating, adult-onset, autosomal dominant, typical. Last evaluated: 2018-01-12. Review status: criteria provided, single submitter. Criteria: ICSL Variant Classification Criteria 13 December 2019. Collection method: clinical testing. Allele origin: germline.
Comment: This variant was observed in the ICSL laboratory as part of a predisposition screen in an ostensibly healthy population. It had not been previously curated by ICSL or reported in the Human Gene Mutation Database (HGMD: prior to June 1st, 2018), and was therefore a candidate for classification through an automated scoring system. Utilizing variant allele frequency, disease prevalence and penetrance estimates, and inheritance mode, an automated score was calculated to assess if this variant is too frequent to cause the disease. Based on the score and internal cut-off values, a variant classified as likely benign is not then subjected to further curation. The score for this variant resulted in a classification of likely benign for this disease.